The following is an entry in ClinVar:

NM_001199267.2(DGKZ):c.162-931G>A

Gene: DGKZ (diacylglycerol kinase zeta; plus strand). Cytogenetic location: 11p11.2.
Variant type: single nucleotide variant.
Coding change: c.162-931G>A on transcript NM_001199267.2 (MANE Select); 931 bases into the intron before coding-DNA position 162, G replaced by A.
Molecular consequence: intron variant. On other transcripts: missense variant (1).
Genome position (GRCh38, 1-based): chr11:46,366,360, G>A. VCF-style: chr11-46366360-G-A. GRCh37 (hg19) VCF-style: chr11-46387910-G-A.
Other names: c.104G>A, p.Arg35His (NM_001105540.2); c.213-931G>A (NM_201532.3); c.177-931G>A (NM_201533.3); c.162-931G>A (NM_001199266.2, NM_003646.4, NM_001199268.2); c.104G>A (NM_001105540.1); short protein forms R35H.
Identifiers: ClinVar variation 1354037 (VCV001354037.7), dbSNP rs377451293, ClinGen allele CA5962071.

ClinVar aggregate classification (germline): Uncertain significance. Review status: criteria provided, multiple submitters, no conflicts (2 of 4 stars). 2 submissions from 2 submitters: Uncertain significance (2). Last evaluated 2023-07-16.

gnomAD v4.1: 73 of 1,529,144 alleles (0.0048%); highest among the groups gnomAD compares: African/African-American, 0.064%; no homozygotes.

Submissions (2):

Labcorp Genetics (formerly Invitae), Labcorp
Classification: Uncertain significance. Last evaluated: 2023-07-16. Review status: criteria provided, single submitter. Criteria: Invitae Variant Classification Sherloc (09022015). Collection method: clinical testing. Allele origin: germline.
Comment: An algorithm developed to predict the effect of missense changes on protein structure and function (PolyPhen-2) suggests that this variant is likely to be disruptive. In summary, the available evidence is currently insufficient to determine the role of this variant in disease. Therefore, it has been classified as a Variant of Uncertain Significance. ClinVar contains an entry for this variant (Variation ID: 1354037). This variant has not been reported in the literature in individuals affected with DGKZ-related conditions. This variant is present in population databases (rs377451293, gnomAD 0.05%). This sequence change replaces arginine, which is basic and polar, with histidine, which is basic and polar, at codon 35 of the DGKZ protein (p.Arg35His).

Ambry Genetics
Classification: Uncertain significance. Last evaluated: 2021-10-12. Review status: criteria provided, single submitter. Criteria: Ambry Variant Classification Scheme 2023. Collection method: clinical testing. Allele origin: germline.